The following is an entry in ClinVar:

ClinVar aggregate classification (germline): Uncertain significance (1 of 4 stars; one submission).

Conditions:
Hypertrophic cardiomyopathy 13. Also called: TNNC1-Related Familial Hypertrophic Cardiomyopathy. Identifiers: MedGen C2750472, MONDO:0013195, OMIM 613243.
Dilated cardiomyopathy 1Z (CMD1Z). Identifiers: Orphanet 154, MedGen C2678475, MONDO:0012745, OMIM 611879.

gnomAD v4.1: 1 of 1,586,644 alleles (0.000063%); no homozygotes.

Submission:

Labcorp Genetics (formerly Invitae), Labcorp
Classification: Uncertain significance for Hypertrophic cardiomyopathy 13; Dilated cardiomyopathy 1Z. Last evaluated: 2025-07-09. Review status: criteria provided, single submitter. Criteria: Invitae Variant Classification Sherloc (09022015). Collection method: clinical testing. Allele origin: germline.
Comment: This sequence change falls in intron 1 of the TNNC1 gene. It does not directly change the encoded amino acid sequence of the TNNC1 protein. It affects a nucleotide within the consensus splice site. This variant is not present in population databases (gnomAD no frequency). This variant has not been reported in the literature in individuals affected with TNNC1-related conditions. Variants that disrupt the consensus splice site are a relatively common cause of aberrant splicing (PMID: 17576681, 9536098). Algorithms developed to predict the effect of sequence changes on RNA splicing suggest that this variant may disrupt the consensus splice site. In summary, the available evidence is currently insufficient to determine the role of this variant in disease. Therefore, it has been classified as a Variant of Uncertain Significance.

Literature cited by the submitters: PubMed 17576681; PubMed 9536098.

NM_003280.3(TNNC1):c.24+5G>C

Gene: TNNC1 (troponin C1, slow skeletal and cardiac type; minus strand). Cytogenetic location: 3p21.1.
Variant type: single nucleotide variant.
Coding change: c.24+5G>C on transcript NM_003280.3 (MANE Select); 5 bases into the intron after coding-DNA position 24, G replaced by C.
Molecular consequence: intron variant.
Genome position (GRCh38, 1-based): chr3:52,453,987, C>G on the plus strand (G>C on the coding strand, the complement: TNNC1 is on the minus strand). VCF-style: chr3-52453987-C-G. GRCh37 (hg19) VCF-style: chr3-52488003-C-G.
Identifiers: ClinVar variation 4785520 (VCV004785520.1).